The following is an entry in ClinVar:

NM_004304.5(ALK):c.1346T>G (p.Leu449Arg)

Gene: ALK (ALK receptor tyrosine kinase; minus strand). Cytogenetic location: 2p23.2.
Variant type: single nucleotide variant.
Coding change: c.1346T>G on transcript NM_004304.5 (MANE Select); coding-DNA position 1346, T replaced by G.
Protein change: p.Leu449Arg; replaces leucine 449 with arginine.
Molecular consequence: missense variant.
Genome position (GRCh38, 1-based): chr2:29,328,418, A>C on the plus strand (T>G on the coding strand, the complement: ALK is on the minus strand). VCF-style: chr2-29328418-A-C. GRCh37 (hg19) VCF-style: chr2-29551284-A-C.
Other names: short protein forms L449R.
Identifiers: ClinVar variation 1021806 (VCV001021806.8), dbSNP rs1667339511, ClinGen allele CA346474324.

ClinVar aggregate classification (germline): Uncertain significance (1 of 4 stars; one submission).

Conditions:
Neuroblastoma, susceptibility to, 3. Also called: ALK-Related Neuroblastic Tumor Susceptibility. Identifiers: Orphanet 635, MedGen C2751681, MONDO:0013083, OMIM 613014.

Submission:

Labcorp Genetics (formerly Invitae), Labcorp
Classification: Uncertain significance for Neuroblastoma, susceptibility to, 3. Last evaluated: 2020-06-28. Review status: criteria provided, single submitter. Criteria: Invitae Variant Classification Sherloc (09022015). Collection method: clinical testing. Allele origin: germline.
Comment: In summary, the available evidence is currently insufficient to determine the role of this variant in disease. Therefore, it has been classified as a Variant of Uncertain Significance. This sequence change replaces leucine with arginine at codon 449 of the ALK protein (p.Leu449Arg). The leucine residue is moderately conserved and there is a moderate physicochemical difference between leucine and arginine. This variant is not present in population databases (ExAC no frequency). This variant has not been reported in the literature in individuals with ALK-related conditions. Algorithms developed to predict the effect of missense changes on protein structure and function are either unavailable or do not agree on the potential impact of this missense change (SIFT: "Deleterious"; PolyPhen-2: "Possibly Damaging"; Align-GVGD: "Class C0").